The following is an entry in ClinVar:

ClinVar aggregate classification (germline): Likely benign (0 of 4 stars; one submission).

Conditions:
ALG9-related disorder. Also called: ALG9-related condition.

gnomAD v4.1: 41 of 1,613,854 alleles (0.0025%); highest among the groups gnomAD compares: Admixed American, 0.068%; no homozygotes.

Submission:

PreventionGenetics, part of Exact Sciences
Classification: Likely benign for ALG9-related condition. Last evaluated: 2024-07-15. Review status: no assertion criteria provided. Collection method: clinical testing. Allele origin: germline.
Comment: This variant is classified as likely benign based on ACMG/AMP sequence variant interpretation guidelines (Richards et al. 2015 PMID: 25741868, with internal and published modifications).

NM_024740.2(ALG9):c.*4C>T

Gene: ALG9 (ALG9 alpha-1,2-mannosyltransferase; minus strand). Cytogenetic location: 11q23.1.
Variant type: single nucleotide variant.
Coding change: c.*4C>T on transcript NM_024740.2 (MANE Select); 4 bases downstream of the stop codon, C replaced by T.
Molecular consequence: 3 prime UTR variant. On other transcripts: non-coding transcript variant (1), intron variant (4).
Genome position (GRCh38, 1-based): chr11:111,786,393, G>A on the plus strand (C>T on the coding strand, the complement: ALG9 is on the minus strand). VCF-style: chr11-111786393-G-A. GRCh37 (hg19) VCF-style: chr11-111657117-G-A.
Other names: c.*4C>T (NM_001077690.1, NM_001077691.2, NM_001077692.2 and 9 more transcripts); c.*133C>T (NM_001352420.2); c.*127C>T (NM_001352421.2); c.1831+9C>T (NM_001352417.1); c.1318+9C>T (NM_001352416.1, NM_001352415.1); c.1339+9C>T (NM_001352419.1).
Identifiers: ClinVar variation 3353202 (VCV003353202.1).